The following is an entry in ClinVar:

NM_020964.3(EPG5):c.6839C>T (p.Ala2280Val)

Gene: EPG5 (ectopic P-granules 5 autophagy tethering factor; minus strand). Cytogenetic location: 18q12.3.
Variant type: single nucleotide variant.
Coding change: c.6839C>T on transcript NM_020964.3 (MANE Select); coding-DNA position 6839, C replaced by T.
Protein change: p.Ala2280Val; replaces alanine 2280 with valine.
Molecular consequence: missense variant.
Genome position (GRCh38, 1-based): chr18:45,860,274, G>A on the plus strand (C>T on the coding strand, the complement: EPG5 is on the minus strand). VCF-style: chr18-45860274-G-A. GRCh37 (hg19) VCF-style: chr18-43440239-G-A.
Other names: c.6839C>T, p.Ala2280Val (LRG_1234t1); short protein forms A2280V.
Identifiers: ClinVar variation 534598 (VCV000534598.12), dbSNP rs200754523, ClinGen allele CA8948133.

ClinVar aggregate classification (germline): Uncertain significance. Review status: criteria provided, multiple submitters, no conflicts (2 of 4 stars). 2 submissions from 2 submitters: Uncertain significance (2). Last evaluated 2024-01-22.

Conditions:
Inborn genetic diseases. Identifiers: MedGen C0950123, MeSH D030342.
Vici syndrome (VICIS). Identifiers: Orphanet 1493, MedGen C1855772, MONDO:0009452, OMIM 242840.

Allele frequency attached by ClinVar (database versions not stated): ExAC 0.00004; gnomAD exomes 0.00008 and 0.00012; gnomAD 0.00011; TOPMed 0.00011.
gnomAD v4.1: 184 of 1,614,186 alleles (0.011%); highest among the groups gnomAD compares: Admixed American, 0.018%; no homozygotes.

Submissions (2):

Labcorp Genetics (formerly Invitae), Labcorp
Classification: Uncertain significance for Vici syndrome. Last evaluated: 2024-01-22. Review status: criteria provided, single submitter. Criteria: Invitae Variant Classification Sherloc (09022015). Collection method: clinical testing. Allele origin: germline.
Comment: This sequence change replaces alanine, which is neutral and non-polar, with valine, which is neutral and non-polar, at codon 2280 of the EPG5 protein (p.Ala2280Val). This variant is present in population databases (rs200754523, gnomAD 0.02%). This variant has not been reported in the literature in individuals affected with EPG5-related conditions. ClinVar contains an entry for this variant (Variation ID: 534598). Advanced modeling of protein sequence and biophysical properties (such as structural, functional, and spatial information, amino acid conservation, physicochemical variation, residue mobility, and thermodynamic stability) performed at Invitae indicates that this missense variant is not expected to disrupt EPG5 protein function with a negative predictive value of 80%. In summary, the available evidence is currently insufficient to determine the role of this variant in disease. Therefore, it has been classified as a Variant of Uncertain Significance.

Ambry Genetics
Classification: Uncertain significance for Inborn genetic diseases. Last evaluated: 2023-04-28. Review status: criteria provided, single submitter. Criteria: Ambry Variant Classification Scheme 2023. Collection method: clinical testing. Allele origin: germline.